The following is an entry in ClinVar:

NM_001127208.3(TET2):c.832C>T (p.Gln278Ter)

Genes: TET2 (tet methylcytosine dioxygenase 2; plus strand), TET2-AS1 (TET2 antisense RNA 1; minus strand). Cytogenetic location: 4q24.
Variant type: single nucleotide variant.
Coding change: c.832C>T on transcript NM_001127208.3 (MANE Select); coding-DNA position 832, C replaced by T.
Protein change: p.Gln278Ter; replaces glutamine 278 with a stop codon.
Molecular consequence: nonsense.
Genome position (GRCh38, 1-based): chr4:105,234,774, C>T. VCF-style: chr4-105234774-C-T. GRCh37 (hg19) VCF-style: chr4-106155931-C-T.
Other names: c.832C>T, p.Gln278Ter (NM_017628.4); short protein forms Q278*.
Identifiers: ClinVar variation 3000171 (VCV003000171.3), dbSNP rs2476483849, ClinGen allele CA357793051.

ClinVar aggregate classification (germline): Pathogenic (1 of 4 stars; one submission).

Allele frequency attached by ClinVar (database versions not stated): gnomAD exomes below 0.00001.
gnomAD v4.1: 2 of 1,613,894 alleles (0.00012%); highest among the groups gnomAD compares: Non-Finnish European, 0.000085%; no homozygotes.

Submission:

Labcorp Genetics (formerly Invitae), Labcorp
Classification: Pathogenic. Last evaluated: 2023-12-14. Review status: criteria provided, single submitter. Criteria: Invitae Variant Classification Sherloc (09022015). Collection method: clinical testing. Allele origin: germline.
Comment: This sequence change creates a premature translational stop signal (p.Gln278*) in the TET2 gene. It is expected to result in an absent or disrupted protein product. Loss-of-function variants in TET2 are known to be pathogenic (PMID: 36066697). This variant is not present in population databases (gnomAD no frequency). This variant has not been reported in the literature in individuals affected with TET2-related conditions. For these reasons, this variant has been classified as Pathogenic.

Literature cited by the submitters: PubMed 36066697.